The following is an entry in ClinVar:

NM_022817.3(PER2):c.2085G>A (p.Ala695=)

Gene: PER2 (period circadian regulator 2; minus strand). Cytogenetic location: 2q37.3.
Variant type: single nucleotide variant.
Coding change: c.2085G>A on transcript NM_022817.3 (MANE Select); coding-DNA position 2085, G replaced by A.
Protein change: p.Ala695=; no amino-acid change (alanine 695 retained).
Molecular consequence: synonymous variant.
Genome position (GRCh38, 1-based): chr2:238,255,892, C>T on the plus strand (G>A on the coding strand, the complement: PER2 is on the minus strand). VCF-style: chr2-238255892-C-T. GRCh37 (hg19) VCF-style: chr2-239164533-C-T.
Identifiers: ClinVar variation 3052018 (VCV003052018.2), dbSNP rs141604367, ClinGen allele CA2197170.

ClinVar aggregate classification (germline): Likely benign (0 of 4 stars; one submission).

Conditions:
PER2-related disorder. Also called: PER2-related condition.

Allele frequency attached by ClinVar (database versions not stated): ExAC 0.00001; gnomAD 0.00002; TOPMed 0.00002; gnomAD exomes 0.00006; ESP Exome Variant Server 0.00008.
gnomAD v4.1: 86 of 1,614,116 alleles (0.0053%); highest among the groups gnomAD compares: Non-Finnish European, 0.0066%; no homozygotes.

Submission:

PreventionGenetics, part of Exact Sciences
Classification: Likely benign for PER2-related condition. Last evaluated: 2020-01-13. Review status: no assertion criteria provided. Collection method: clinical testing. Allele origin: germline.
Comment: This variant is classified as likely benign based on ACMG/AMP sequence variant interpretation guidelines (Richards et al. 2015 PMID: 25741868, with internal and published modifications).